The following is an entry in ClinVar:

ClinVar aggregate classification (germline): Uncertain significance (1 of 4 stars; one submission).

Conditions:
POLD1-related polyposis and colorectal cancer syndrome (CRCS10). Also called: COLORECTAL CANCER, SUSCEPTIBILITY TO, ON CHROMOSOME 19q; Colorectal cancer 10; Colorectal cancer, susceptibility to, 10. Identifiers: Orphanet 220460, MedGen C2675481, MONDO:0012953, OMIM 612591.

Submission:

Labcorp Genetics (formerly Invitae), Labcorp
Classification: Uncertain significance for POLD1-related polyposis and colorectal cancer syndrome. Last evaluated: 2025-07-23. Review status: criteria provided, single submitter. Criteria: Invitae Variant Classification Sherloc (09022015). Collection method: clinical testing. Allele origin: germline.
Comment: This sequence change replaces leucine, which is neutral and non-polar, with arginine, which is basic and polar, at codon 125 of the POLD1 protein (p.Leu125Arg). This variant is not present in population databases (gnomAD no frequency). This variant has not been reported in the literature in individuals affected with POLD1-related conditions. Invitae Evidence Modeling of protein sequence and biophysical properties (such as structural, functional, and spatial information, amino acid conservation, physicochemical variation, residue mobility, and thermodynamic stability) indicates that this missense variant is not expected to disrupt POLD1 protein function with a negative predictive value of 80%. In summary, the available evidence is currently insufficient to determine the role of this variant in disease. Therefore, it has been classified as a Variant of Uncertain Significance.

NM_002691.4(POLD1):c.374T>G (p.Leu125Arg)

Gene: POLD1 (DNA polymerase delta 1, catalytic subunit; plus strand). Cytogenetic location: 19q13.33.
Variant type: single nucleotide variant.
Coding change: c.374T>G on transcript NM_002691.4 (MANE Select); coding-DNA position 374, T replaced by G.
Protein change: p.Leu125Arg; replaces leucine 125 with arginine.
Molecular consequence: missense variant. On other transcripts: non-coding transcript variant (1).
Genome position (GRCh38, 1-based): chr19:50,401,835, T>G. VCF-style: chr19-50401835-T-G. GRCh37 (hg19) VCF-style: chr19-50905092-T-G.
Other names: c.374T>G, p.Leu125Arg (NM_001256849.1, NM_001308632.1, NM_001438210.1 and 3 more transcripts); short protein forms L125R.
Identifiers: ClinVar variation 4746088 (VCV004746088.1).